The following is an entry in ClinVar:

NM_000152.5(GAA):c.623T>C (p.Leu208Pro)

Gene: GAA (alpha glucosidase; plus strand). Cytogenetic location: 17q25.3.
Variant type: single nucleotide variant.
Coding change: c.623T>C on transcript NM_000152.5 (MANE Select); coding-DNA position 623, T replaced by C.
Protein change: p.Leu208Pro; replaces leucine 208 with proline.
Molecular consequence: missense variant.
Genome position (GRCh38, 1-based): chr17:80,105,825, T>C. VCF-style: chr17-80105825-T-C. GRCh37 (hg19) VCF-style: chr17-78079624-T-C.
Other names: c.623T>C, p.Leu208Pro (NM_001079803.3, NM_001079804.3); short protein forms L208P.
Identifiers: ClinVar variation 918152 (VCV000918152.4), dbSNP rs2039071572, ClinGen allele CA401362361.

ClinVar aggregate classification (germline): Uncertain significance. Review status: criteria provided, multiple submitters, no conflicts (2 of 4 stars). 3 submissions from 3 submitters: Uncertain significance (3). Last evaluated 2026-07-01.

Conditions:
Glycogen storage disease, type II (IOPD). Also called: CARDIOMEGALIA GLYCOGENICA DIFFUSA; Glycogen storage disease type 2; Acid maltase deficiency disease; Aglucosidase alfa; Deficiency of alpha-glucosidase; Deficiency of lysosomal alpha-glucosidase. Identifiers: Orphanet 365, MedGen C0017921, MONDO:0009290, OMIM 232300.

Submissions (3):

Genomenon, Inc
Classification: Uncertain significance for Glycogen storage disease, type II. Last evaluated: 2026-07-01. Review status: criteria provided, single submitter. Criteria: Genomenon Sequence Variant Interpretation Standards - Updated. Collection method: curation. Allele origin: germline.
Comment: GAA p.Leu208Pro (c.623T>C) is a missense variant that changes the amino acid at codon 208 from Leucine to Proline. This variant has been reported in the compound heterozygous and/or homozygous state in an individual without a confirmed diagnosis of Pompe disease (PMID:11071489). Functional studies have been reported (PMID:19862843). It is absent or not present at a significant frequency in gnomAD. In silico models predict that this variant is possibly or probably damaging. In conclusion, we classify GAA p.Leu208Pro (c.623T>C) as a variant of uncertain significance.

Labcorp Genetics (formerly Invitae), Labcorp
Classification: Uncertain significance for Glycogen storage disease, type II. Last evaluated: 2021-08-24. Review status: criteria provided, single submitter. Criteria: Invitae Variant Classification Sherloc (09022015). Collection method: clinical testing. Allele origin: germline.
Comment: This sequence change replaces leucine with proline at codon 208 of the GAA protein (p.Leu208Pro). The leucine residue is highly conserved and there is a moderate physicochemical difference between leucine and proline. This variant is not present in population databases (ExAC no frequency). This missense change has been observed in individual(s) with Pompe disease (PMID: 11071489). ClinVar contains an entry for this variant (Variation ID: 918152). Algorithms developed to predict the effect of missense changes on protein structure and function (SIFT, PolyPhen-2, Align-GVGD) all suggest that this variant is likely to be disruptive. Experimental studies have shown that this missense change affects GAA function (PMID: 19862843). In summary, the available evidence is currently insufficient to determine the role of this variant in disease. Therefore, it has been classified as a Variant of Uncertain Significance.

Women's Health and Genetics/Laboratory Corporation of America, LabCorp
Classification: Uncertain significance. Last evaluated: 2020-03-12. Review status: criteria provided, single submitter. Criteria: LabCorp Variant Classification Summary - May 2015. Collection method: clinical testing. Allele origin: germline.
Comment: Variant summary: GAA c.623T>C (p.Leu208Pro) results in a non-conservative amino acid change located in the Glycoside hydrolase family 31, N-terminal domain of the encoded protein sequence. Four of five in-silico tools predict a damaging effect of the variant on protein function. The variant was absent in 247666 control chromosomes. The available data on variant occurrences in the general population are insufficient to allow any conclusion about variant significance. c.623T>C has been reported in the literature in at least one individual affected with Glycogen Storage Disease, Type 2 (Pompe Disease, Laforet_2000). These data do not allow any conclusion about variant significance. At least one publication reports experimental evidence evaluating an impact on protein function, however, does not allow convincing conclusions about the variant effect (Flanagan_2009). No clinical diagnostic laboratories have submitted clinical-significance assessments for this variant to ClinVar after 2014. Based on the evidence outlined above, the variant was classified as VUS-possibly pathogenic.

Literature cited by the submitters: PubMed 11071489 (cited by 3 submitters); PubMed 19862843 (cited by 3 submitters); PubMed 29061980 (cited by Women's Health and Genetics/Laboratory Corporation of America, LabCorp).